The following is an entry in ClinVar:

ClinVar aggregate classification (germline): Pathogenic. Review status: criteria provided, multiple submitters, no conflicts (2 of 4 stars). 2 submissions from 2 submitters: Pathogenic (2). Last evaluated 2025-12-23.

Conditions:
Hereditary nonpolyposis colorectal neoplasms. Identifiers: MedGen C0009405, MeSH D003123.
Lynch syndrome 5 (LYNCH5). Also called: Colorectal cancer, hereditary nonpolyposis, type 5; Hereditary non-polyposis colorectal cancer, type 5. Identifiers: Orphanet 144, MedGen C1833477, MONDO:0013710, OMIM 614350. Disease mechanism: loss of function.

Submissions (2):

Labcorp Genetics (formerly Invitae), Labcorp
Classification: Pathogenic for Hereditary nonpolyposis colorectal neoplasms. Last evaluated: 2025-12-23. Review status: criteria provided, single submitter. Criteria: Invitae Variant Classification Sherloc (09022015). Collection method: clinical testing. Allele origin: germline.
Comment: This sequence change creates a premature translational stop signal (p.Cys1129Ilefs*17) in the MSH6 gene. It is expected to result in an absent or disrupted protein product. Loss-of-function variants in MSH6 are known to be pathogenic (PMID: 18269114, 24362816). This variant is not present in population databases (gnomAD no frequency). This variant has not been reported in the literature in individuals affected with MSH6-related conditions. ClinVar contains an entry for this variant (Variation ID: 641611). For these reasons, this variant has been classified as Pathogenic.

Myriad Genetics, Inc.
Classification: Pathogenic for Lynch syndrome 5. Last evaluated: 2023-08-22. Review status: criteria provided, single submitter. Criteria: Myriad Autosomal Dominant, Autosomal Recessive and X-Linked Classification Criteria (2023). Collection method: clinical testing. Allele origin: unknown.
Comment: This variant is considered pathogenic. This variant creates a frameshift predicted to result in premature protein truncation.

Literature cited by the submitters: PubMed 18269114 (cited by Labcorp Genetics (formerly Invitae), Labcorp); PubMed 24362816 (cited by Labcorp Genetics (formerly Invitae), Labcorp).

NM_000179.3(MSH6):c.3383_3384dup (p.Cys1129fs)

Gene: MSH6 (mutS homolog 6; plus strand). Cytogenetic location: 2p16.3.
Variant type: Duplication.
Coding change: c.3383_3384dup on transcript NM_000179.3 (MANE Select); coding-DNA positions 3383 to 3384, 2 bases duplicated (AT; older notation c.3383_3384dupAT).
Protein change: p.Cys1129fs; shifts the reading frame from cysteine 1129.
Molecular consequence: frameshift variant.
Genome position (GRCh38, 1-based): chr2:47,803,630-47,803,631, AT duplicated; duplicating any 2 consecutive bases within chr2:47,803,629-47,803,631 gives the same sequence; the c. name uses the placement nearest the transcript's 3' end. VCF-style (leftmost placement, unchanged base first): chr2-47803628-C-CTA. GRCh37 (hg19) VCF-style: chr2-48030767-C-CTA.
Other names: c.3383_3384dupAT (NM_000179.2); c.2993_2994dup, p.Cys999fs (NM_001281492.2); c.2477_2478dup, p.Cys827fs (NM_001281493.2, NM_001281494.2); short protein forms C827fs, C999fs, C1129fs.
Identifiers: ClinVar variation 641611 (VCV000641611.10), dbSNP rs1572735943, ClinGen allele CA915943952.